The following is an entry in ClinVar:

ClinVar aggregate classification (germline): Uncertain significance (1 of 4 stars; one submission).

Conditions:
Naxos disease (NXD). Also called: WOOLLY HAIR, PALMOPLANTAR KERATODERMA, AND CARDIAC ABNORMALITIES; KERATOSIS PALMOPLANTARIS WITH ARRHYTHMOGENIC CARDIOMYOPATHY; MAL DE NAXOS; PALMOPLANTAR KERATODERMA WITH ARRHYTHMOGENIC RIGHT VENTRICULAR CARDIOMYOPATHY AND WOOLLY HAIR; CARDIOMYOPATHY, ARRHYTHMOGENIC RIGHT VENTRICULAR, WITH SKIN, HAIR, AND NAIL ABNORMALITIES. Identifiers: Orphanet 34217, MedGen C1832600, MONDO:0011017, OMIM 601214.
Arrhythmogenic right ventricular dysplasia 12. Also called: ARRHYTHMOGENIC RIGHT VENTRICULAR DYSPLASIA, FAMILIAL, 12. Identifiers: MedGen C1969081, MONDO:0012684, OMIM 611528.

Submission:

Labcorp Genetics (formerly Invitae), Labcorp
Classification: Uncertain significance for Arrhythmogenic right ventricular dysplasia 12; Naxos disease. Last evaluated: 2022-02-23. Review status: criteria provided, single submitter. Criteria: Invitae Variant Classification Sherloc (09022015). Collection method: clinical testing. Allele origin: germline.
Comment: In summary, the available evidence is currently insufficient to determine the role of this variant in disease. Therefore, it has been classified as a Variant of Uncertain Significance. Algorithms developed to predict the effect of missense changes on protein structure and function (SIFT, PolyPhen-2, Align-GVGD) all suggest that this variant is likely to be tolerated. This variant has not been reported in the literature in individuals affected with JUP-related conditions. This variant is not present in population databases (gnomAD no frequency). This sequence change replaces alanine, which is neutral and non-polar, with glycine, which is neutral and non-polar, at codon 188 of the JUP protein (p.Ala188Gly).

NM_002230.4(JUP):c.563C>G (p.Ala188Gly)

Gene: JUP (junction plakoglobin; minus strand). Cytogenetic location: 17q21.2.
Variant type: single nucleotide variant.
Coding change: c.563C>G on transcript NM_002230.4 (MANE Select); coding-DNA position 563, C replaced by G.
Protein change: p.Ala188Gly; replaces alanine 188 with glycine.
Molecular consequence: missense variant.
Genome position (GRCh38, 1-based): chr17:41,769,113, G>C on the plus strand (C>G on the coding strand, the complement: JUP is on the minus strand). VCF-style: chr17-41769113-G-C. GRCh37 (hg19) VCF-style: chr17-39925365-G-C.
Other names: c.563C>G, p.Ala188Gly (NM_001352773.2, NM_001352774.2, NM_001352775.2 and 3 more transcripts); short protein forms A188G.
Identifiers: ClinVar variation 2144594 (VCV002144594.4), dbSNP rs2544181940, ClinGen allele CA399503217.